The following is an entry in ClinVar:

NM_001308120.2(TOGARAM1):c.942del (p.Gln314fs)

Gene: TOGARAM1 (TOG array regulator of axonemal microtubules 1; plus strand). Cytogenetic location: 14q21.2.
Variant type: Deletion.
Coding change: c.942del on transcript NM_001308120.2 (MANE Select); coding-DNA position 942, one base deleted (G; older notation c.942delG).
Protein change: p.Gln314fs; shifts the reading frame from glutamine 314.
Molecular consequence: frameshift variant. On other transcripts: non-coding transcript variant (1).
Genome position (GRCh38, 1-based): chr14:44,963,363, G deleted. VCF-style (leftmost placement, unchanged base first): chr14-44963362-AG-A. GRCh37 (hg19) VCF-style: chr14-45432565-AG-A.
Other names: c.942del, p.Gln314fs (NM_015091.4); c.942delG (NM_015091.4); short protein forms Q314fs.
Identifiers: ClinVar variation 4689371 (VCV004689371.1).

ClinVar aggregate classification (germline): Pathogenic (1 of 4 stars; one submission).

Conditions:
Joubert syndrome 37. Identifiers: MedGen C5543064, MONDO:0030933, OMIM 619185.

Submission:

Women's Health and Genetics/Laboratory Corporation of America, LabCorp
Classification: Pathogenic for Joubert syndrome 37. Last evaluated: 2026-01-15. Review status: criteria provided, single submitter. Criteria: LabCorp Variant Classification Summary - May 2015. Collection method: clinical testing. Allele origin: germline.
Comment: Variant summary: TOGARAM1 c.942delG (p.Gln314HisfsX26) results in a premature termination codon, predicted to cause a truncation of the encoded protein or absence of the protein due to nonsense mediated decay, which are commonly known mechanisms for disease. The variant allele was found at a frequency of 4e-06 in 251370 control chromosomes. To our knowledge, no occurrence of c.942delG in individuals affected with TOGARAM1-related conditions and no experimental evidence demonstrating its impact on protein function have been reported. No submitters have cited clinical-significance assessments for this variant to ClinVar. Based on the evidence outlined above, the variant was classified as pathogenic.